The following is an entry in ClinVar:

ClinVar aggregate classification (germline): Uncertain significance. Review status: criteria provided, multiple submitters, no conflicts (2 of 4 stars). 2 submissions from 2 submitters: Uncertain significance (2). Last evaluated 2025-08-02.

Allele frequency attached by ClinVar (database versions not stated): gnomAD exomes below 0.00001 and 0.00001; ExAC 0.00001.
gnomAD v4.1: 4 of 1,614,130 alleles (0.00025%); highest among the groups gnomAD compares: Non-Finnish European, 0.00025%; no homozygotes.

Submissions (2):

Ambry Genetics
Classification: Uncertain significance. Last evaluated: 2025-08-02. Review status: criteria provided, single submitter. Criteria: Ambry Variant Classification Scheme 2023. Collection method: clinical testing. Allele origin: germline.
Comment: The p.S163F variant (also known as c.488C>T), located in coding exon 2 of the GALNT12 gene, results from a C to T substitution at nucleotide position 488. The serine at codon 163 is replaced by phenylalanine, an amino acid with highly dissimilar properties. This amino acid position is conserved. In addition, this alteration is predicted to be deleterious by in silico analysis. Based on the available evidence, the clinical significance of this variant remains unclear.

Labcorp Genetics (formerly Invitae), Labcorp
Classification: Uncertain significance. Last evaluated: 2022-11-01. Review status: criteria provided, single submitter. Criteria: Invitae Variant Classification Sherloc (09022015). Collection method: clinical testing. Allele origin: germline.
Comment: In summary, the available evidence is currently insufficient to determine the role of this variant in disease. Therefore, it has been classified as a Variant of Uncertain Significance. Advanced modeling of protein sequence and biophysical properties (such as structural, functional, and spatial information, amino acid conservation, physicochemical variation, residue mobility, and thermodynamic stability) performed at Invitae indicates that this missense variant is expected to disrupt GALNT12 protein function. ClinVar contains an entry for this variant (Variation ID: 1046843). This variant has not been reported in the literature in individuals affected with GALNT12-related conditions. This variant is present in population databases (rs771521076, gnomAD 0.0009%). This sequence change replaces serine, which is neutral and polar, with phenylalanine, which is neutral and non-polar, at codon 163 of the GALNT12 protein (p.Ser163Phe).

NM_024642.5(GALNT12):c.488C>T (p.Ser163Phe)

Gene: GALNT12 (polypeptide N-acetylgalactosaminyltransferase 12; plus strand). Cytogenetic location: 9q22.33.
Variant type: single nucleotide variant.
Coding change: c.488C>T on transcript NM_024642.5 (MANE Select); coding-DNA position 488, C replaced by T.
Protein change: p.Ser163Phe; replaces serine 163 with phenylalanine.
Molecular consequence: missense variant.
Genome position (GRCh38, 1-based): chr9:98,823,372, C>T. VCF-style: chr9-98823372-C-T. GRCh37 (hg19) VCF-style: chr9-101585654-C-T.
Other names: c.488C>T (NM_024642.4); short protein forms S163F.
Identifiers: ClinVar variation 1046843 (VCV001046843.9), dbSNP rs771521076, ClinGen allele CA5153951.
Genomic context (GRCh38, chr9:98,823,372, plus strand): 5'-CATTTTATAATGAAGCCTGGTCAACTCTCCTTCGGACAGTTTACAGTGTCCTTGAGACAT[C>T]CCCGGATATCCTGCTAGAAGAAGTGATCCTTGTAGATGACTACAGTGATAGAGGTGAGTC-3'
Protein context (NP_078918.3, residues 153-173): LRTVYSVLET[Ser163Phe]PDILLEEVIL